The following is an entry in ClinVar:

NC_000017.10:g.(?_48261461)_(48277309_48278771)dup

Gene: COL1A1 (collagen type I alpha 1 chain; minus strand). Cytogenetic location: 17q21.33.
Variant type: Duplication.
Identifiers: ClinVar variation 4847670 (VCV004847670.1).

ClinVar aggregate classification (germline): Uncertain significance (1 of 4 stars; one submission).

Submission:

Women's Health and Genetics/Laboratory Corporation of America, LabCorp
Classification: Uncertain significance. Last evaluated: 2026-03-26. Review status: criteria provided, single submitter. Criteria: LabCorp Variant Classification Summary - May 2015. Collection method: clinical testing. Allele origin: germline.
Comment: Variant summary: The variant involves the duplication of exons 2-51 in the COL1A1 gene. A presumed nomenclature of c.(103+1_104-1)_(*1402_?)dup has been designated for the purposes of this classification. The exact breakpoint at the 3' end of this variant is unknown, therefore this duplication may extend downstream of the annotated region of the gene. As it duplicates the termination codon, its effect on the encoded protein is unknown. The frequency of this variant in the general population could not be determined as the technology used for large population databases (ExAC, gnomAD, ESP, 1000G) cannot detect variants of this type. The available data on variant occurrences in the general population are insufficient to allow any conclusion about variant significance. c.(103+1_104-1)_(*1402_?)dup has been observed in a setting of comprehensive gene panel testing for common and rare causes of skeletal dysplasia and other skeletal disorders without clear clinical information (MacCarrick_2024). These report(s) do not provide unequivocal conclusions about association of the variant with Osteogenesis imperfecta type I. To our knowledge, no experimental evidence demonstrating an impact on protein function has been reported. The following publication have been ascertained in the context of this evaluation (PMID: 38702915). No submitters have cited clinical-significance assessments for this variant to ClinVar. Based on the evidence outlined above, the variant was classified as uncertain significance.

Literature cited by the submitters: PubMed 38702915.